The following is an entry in ClinVar:

NM_002439.5(MSH3):c.1034A>G (p.Asn345Ser)

Gene: MSH3 (mutS homolog 3; plus strand). Cytogenetic location: 5q14.1.
Variant type: single nucleotide variant.
Coding change: c.1034A>G on transcript NM_002439.5 (MANE Select); coding-DNA position 1034, A replaced by G.
Protein change: p.Asn345Ser; replaces asparagine 345 with serine.
Molecular consequence: missense variant.
Genome position (GRCh38, 1-based): chr5:80,674,989, A>G. VCF-style: chr5-80674989-A-G. GRCh37 (hg19) VCF-style: chr5-79970808-A-G.
Other names: c.1034A>G (NM_002439.3, NM_002439.4); short protein forms N345S.
Identifiers: ClinVar variation 1034499 (VCV001034499.10), dbSNP rs1481752637, ClinGen allele CA360267837.
Genomic context (GRCh38, chr5:80,674,989, plus strand): 5'-GCATATTAGGATTTAGAATTTAGCATATAATTATTTTTCTTTAATTATTATTAAATGTGA[A>G]TCCCCTAATCAAGCTGGATGATGCTGTAAATGTTGATGAGATAATGACTGATACTTCTAC-3'
Protein context (NP_002430.3, residues 335-355): TKSTLIGEDV[Asn345Ser]PLIKLDDAVN

ClinVar aggregate classification (germline): Uncertain significance. Review status: criteria provided, multiple submitters, no conflicts (2 of 4 stars). 3 submissions from 3 submitters: Uncertain significance (3). Last evaluated 2026-04-25.

Conditions:
MSH3-related disorder. Also called: MSH3-related condition.
Hereditary cancer-predisposing syndrome. Also called: Tumor predisposition; Hereditary neoplastic syndrome; Neoplastic Syndromes, Hereditary; Hereditary Cancer Syndrome. Identifiers: Orphanet 140162, MedGen C0027672, MeSH D009386, MONDO:0015356.

Allele frequency attached by ClinVar (database versions not stated): TOPMed below 0.00001.

Submissions (3):

PreventionGenetics, part of Exact Sciences
Classification: Uncertain significance for MSH3-related condition. Last evaluated: 2026-04-25. Review status: criteria provided, single submitter. Criteria: ACMG Guidelines, 2015. Collection method: clinical testing. Allele origin: germline.
Comment: The MSH3 c.1034A>G variant is predicted to result in the amino acid substitution p.Asn345Ser. To our knowledge, this variant has not been reported in the literature or in a large population database (gnomAD), indicating this variant is rare. This variant is classified as a variant of uncertain significance in ClinVar (Variation ID: 1034499). At this time, the clinical significance of this variant is uncertain due to the absence of conclusive functional and genetic evidence.

Labcorp Genetics (formerly Invitae), Labcorp
Classification: Uncertain significance. Last evaluated: 2025-12-15. Review status: criteria provided, single submitter. Criteria: Invitae Variant Classification Sherloc (09022015). Collection method: clinical testing. Allele origin: germline.
Comment: This sequence change replaces asparagine, which is neutral and polar, with serine, which is neutral and polar, at codon 345 of the MSH3 protein (p.Asn345Ser). This variant is not present in population databases (gnomAD no frequency). This variant has not been reported in the literature in individuals affected with MSH3-related conditions. ClinVar contains an entry for this variant (Variation ID: 1034499). An algorithm developed to predict the effect of missense changes on protein structure and function (PolyPhen-2) suggests that this variant is likely to be tolerated. In summary, the available evidence is currently insufficient to determine the role of this variant in disease. Therefore, it has been classified as a Variant of Uncertain Significance.

Ambry Genetics
Classification: Uncertain significance for Hereditary cancer-predisposing syndrome. Last evaluated: 2024-09-30. Review status: criteria provided, single submitter. Criteria: Ambry Variant Classification Scheme 2023. Collection method: clinical testing. Allele origin: germline.
Comment: The p.N345S variant (also known as c.1034A>G), located in coding exon 7 of the MSH3 gene, results from an A to G substitution at nucleotide position 1034. The asparagine at codon 345 is replaced by serine, an amino acid with highly similar properties. This amino acid position is conserved. In addition, this alteration is predicted to be tolerated by in silico analysis. Based on the available evidence, the clinical significance of this variant remains unclear.